The following is an entry in ClinVar:

ClinVar aggregate classification (germline): Pathogenic (1 of 4 stars; one submission).

Conditions:
Primary ciliary dyskinesia. Also called: Ciliary dyskinesia. Identifiers: Orphanet 244, MedGen C0008780, MONDO:0016575, HP:0012265.

Allele frequency attached by ClinVar (database versions not stated): gnomAD exomes below 0.00001.
gnomAD v4.1: 1 of 1,613,988 alleles (0.000062%); highest among the groups gnomAD compares: Non-Finnish European, 0.000085%; no homozygotes.

Submission:

Labcorp Genetics (formerly Invitae), Labcorp
Classification: Pathogenic for Primary ciliary dyskinesia. Last evaluated: 2018-08-20. Review status: criteria provided, single submitter. Criteria: Invitae Variant Classification Sherloc (09022015). Collection method: clinical testing. Allele origin: germline.
Comment: This sequence change creates a premature translational stop signal (p.Lys4078*) in the DNAH11 gene. It is expected to result in an absent or disrupted protein product. This variant is not present in population databases (ExAC no frequency). This variant has not been reported in the literature in individuals with DNAH11-related disease. Loss-of-function variants in DNAH11 are known to be pathogenic (PMID: 18022865, 20513915, 22184204). For these reasons, this variant has been classified as Pathogenic.

Literature cited by the submitters: PubMed 18022865; PubMed 20513915; PubMed 22184204.

NM_001277115.2(DNAH11):c.12232A>T (p.Lys4078Ter)

Gene: DNAH11 (dynein axonemal heavy chain 11; plus strand). Cytogenetic location: 7p15.3.
Variant type: single nucleotide variant.
Coding change: c.12232A>T on transcript NM_001277115.2 (MANE Select); coding-DNA position 12232, A replaced by T.
Protein change: p.Lys4078Ter; replaces lysine 4078 with a stop codon.
Molecular consequence: nonsense.
Genome position (GRCh38, 1-based): chr7:21,880,738, A>T. VCF-style: chr7-21880738-A-T. GRCh37 (hg19) VCF-style: chr7-21920356-A-T.
Other names: short protein forms K4078*.
Identifiers: ClinVar variation 642923 (VCV000642923.7), dbSNP rs1583806864, ClinGen allele CA366963922.